The following is an entry in ClinVar:

NM_001807.6(CEL):c.2073del (p.Val692fs)

Gene: CEL (carboxyl ester lipase; plus strand). Cytogenetic location: 9q34.13.
Variant type: Deletion.
Coding change: c.2073del on transcript NM_001807.6 (MANE Select); coding-DNA position 2073, one base deleted (C; older notation c.2073delC).
Protein change: p.Val692fs; shifts the reading frame from valine 692.
Molecular consequence: frameshift variant.
Genome position (GRCh38, 1-based): chr9:133,071,575, C deleted; the last of 8 consecutive C bases (chr9:133,071,568-133,071,575); deleting any one gives the same sequence. VCF-style (leftmost placement, unchanged base first): chr9-133071567-GC-G. GRCh37 (hg19) VCF-style: chr9-135946954-GC-G.
Other names: short protein forms V692fs.
Identifiers: ClinVar variation 5040983 (VCV005040983.1).
Genomic context (GRCh38, chr9:133,071,567, plus strand): 5'-CCCGTGCCGCCCACGGGTGACGCCGGGCCCCCCCCCGTGCCGCCCACGGGTGACTCCGGC[GC>G]CCCCCCCGTGCCGCCCACGGGTGACTCCGGGGCCCCCCCCGTGACCCCCACGGGTGACTC-3'

ClinVar aggregate classification (germline): Uncertain significance (1 of 4 stars; one submission).

Submission:

CeGaT Center for Human Genetics Tuebingen
Classification: Uncertain significance. Last evaluated: 2026-09-01. Review status: criteria provided, single submitter. Criteria: CeGaT Center For Human Genetics Tuebingen Variant Classification Criteria Version 2. Collection method: clinical testing. Allele origin: germline. Affected: yes. Observed: 1 variant allele.
Comment: CEL: PVS1:Moderate, PM2:Supporting